The following is an entry in ClinVar:

ClinVar aggregate classification (germline): Likely benign. Review status: criteria provided, multiple submitters, no conflicts (2 of 4 stars). 4 submissions from 4 submitters: Likely benign (4). Last evaluated 2024-12-17.

Conditions:
Cardiovascular phenotype. Identifiers: MedGen CN230736.
Familial isolated arrhythmogenic right ventricular dysplasia. Identifiers: Orphanet 217656, MedGen C4274968, MONDO:0016342.
Cardiomyopathy (CMYO). Also called: Cardiomyopathies. Identifiers: Orphanet 167848, MedGen C0878544, MONDO:0004994, HP:0001638. Inheritance: Various modes of inheritance.
Arrhythmogenic right ventricular dysplasia 11. Also called: ARRHYTHMOGENIC RIGHT VENTRICULAR DYSPLASIA, FAMILIAL, 11; Arrhythmogenic Right Ventricular Dysplasia/Cardiomyopathy11; Arrhythmogenic right ventricular dysplasia 11 with mild palmoplantar keratoderma and woolly hair. Identifiers: MedGen C1864850, MONDO:0012506, OMIM 610476.

Allele frequency attached by ClinVar (database versions not stated): TOPMed below 0.00001; gnomAD exomes 0.00002; gnomAD 0.00001; ExAC 0.00002.
gnomAD v4.1: 23 of 1,613,926 alleles (0.0014%); highest among the groups gnomAD compares: South Asian, 0.0055%; no homozygotes.

Submissions (4):

Labcorp Genetics (formerly Invitae), Labcorp
Classification: Likely benign for Arrhythmogenic right ventricular dysplasia 11. Last evaluated: 2024-12-17. Review status: criteria provided, single submitter. Criteria: Invitae Variant Classification Sherloc (09022015). Collection method: clinical testing. Allele origin: germline.

All of Us Research Program, National Institutes of Health
Classification: Likely benign for Familial isolated arrhythmogenic right ventricular dysplasia. Last evaluated: 2023-12-01. Review status: criteria provided, single submitter. Criteria: ACMG Guidelines, 2015. Collection method: clinical testing. Allele origin: germline. Inheritance: Autosomal dominant inheritance. Observed: 2 variant alleles, 2 heterozygotes.
Comment: This study involves interpretation of variants in research participants for the purpose of population health screening. Participant phenotype was not available at the time of variant classification. Additional details can be found in publication PMID: 35346344, PMCID: PMC8962531

Ambry Genetics
Classification: Likely benign for Cardiovascular phenotype. Last evaluated: 2021-04-07. Review status: criteria provided, single submitter. Criteria: Ambry Variant Classification Scheme 2023. Collection method: clinical testing. Allele origin: germline.

Color Diagnostics, LLC DBA Color Health
Classification: Likely benign for Cardiomyopathy. Last evaluated: 2019-12-29. Review status: criteria provided, single submitter. Criteria: ACMG Guidelines, 2015. Collection method: clinical testing. Allele origin: germline.

NM_024422.6(DSC2):c.2382G>A (p.Ser794=)

Gene: DSC2 (desmocollin 2; minus strand). Cytogenetic location: 18q12.1.
Variant type: single nucleotide variant.
Coding change: c.2382G>A on transcript NM_024422.6 (MANE Select); coding-DNA position 2382, G replaced by A.
Protein change: p.Ser794=; no amino-acid change (serine 794 retained).
Molecular consequence: synonymous variant.
Genome position (GRCh38, 1-based): chr18:31,069,020, C>T on the plus strand (G>A on the coding strand, the complement: DSC2 is on the minus strand). VCF-style: chr18-31069020-C-T. GRCh37 (hg19) VCF-style: chr18-28648986-C-T.
Other names: c.2382G>A, p.Ser794= (NM_004949.5).
Identifiers: ClinVar variation 920502 (VCV000920502.13), dbSNP rs761322462, ClinGen allele CA036475.